The following is an entry in ClinVar:

NM_001166114.2(PNPLA6):c.808C>T (p.Pro270Ser)

Gene: PNPLA6 (patatin like domain 6, lysophospholipase; plus strand). Cytogenetic location: 19p13.2.
Variant type: single nucleotide variant.
Coding change: c.808C>T on transcript NM_001166114.2 (MANE Select); coding-DNA position 808, C replaced by T.
Protein change: p.Pro270Ser; replaces proline 270 with serine.
Molecular consequence: missense variant.
Genome position (GRCh38, 1-based): chr19:7,540,935, C>T. VCF-style: chr19-7540935-C-T. GRCh37 (hg19) VCF-style: chr19-7605821-C-T.
Other names: c.835C>T, p.Pro279Ser (NM_001166111.2); c.691C>T, p.Pro231Ser (NM_001166112.2, NM_001166113.1, NM_006702.5); short protein forms P279S, P231S, P270S.
Identifiers: ClinVar variation 1480232 (VCV001480232.8), dbSNP rs1382702507, ClinGen allele CA403106012.

ClinVar aggregate classification (germline): Uncertain significance (1 of 4 stars; one submission).

Conditions:
Hereditary spastic paraplegia 39 (SPG39). Also called: Spastic Paraplegia Type 39 (SPG39); SPASTIC PARAPLEGIA 39, AUTOSOMAL RECESSIVE. Identifiers: Orphanet 139480, MedGen C2677586, MONDO:0012787, OMIM 612020.

Allele frequency attached by ClinVar (database versions not stated): gnomAD exomes below 0.00001 and 0.00001.
gnomAD v4.1: 2 of 1,612,940 alleles (0.00012%); highest among the groups gnomAD compares: Admixed American, 0.0017%; no homozygotes.

Submission:

Labcorp Genetics (formerly Invitae), Labcorp
Classification: Uncertain significance for Hereditary spastic paraplegia 39. Last evaluated: 2021-05-31. Review status: criteria provided, single submitter. Criteria: Invitae Variant Classification Sherloc (09022015). Collection method: clinical testing. Allele origin: germline.
Comment: In summary, the available evidence is currently insufficient to determine the role of this variant in disease. Therefore, it has been classified as a Variant of Uncertain Significance. Algorithms developed to predict the effect of missense changes on protein structure and function (SIFT, PolyPhen-2, Align-GVGD) all suggest that this variant is likely to be tolerated, but these predictions have not been confirmed by published functional studies and their clinical significance is uncertain. This variant has not been reported in the literature in individuals with PNPLA6-related conditions. This variant is not present in population databases (ExAC no frequency). This sequence change replaces proline with serine at codon 231 of the PNPLA6 protein (p.Pro231Ser). The proline residue is moderately conserved and there is a moderate physicochemical difference between proline and serine.